The following is an entry in ClinVar:

NM_002528.7(NTHL1):c.218C>A (p.Pro73His)

Gene: NTHL1 (nth like DNA glycosylase 1; minus strand). Cytogenetic location: 16p13.3.
Variant type: single nucleotide variant.
Coding change: c.218C>A on transcript NM_002528.7 (MANE Select); coding-DNA position 218, C replaced by A.
Protein change: p.Pro73His; replaces proline 73 with histidine.
Molecular consequence: missense variant. On other transcripts: intron variant (1).
Genome position (GRCh38, 1-based): chr16:2,046,264, G>T on the plus strand (C>A on the coding strand, the complement: NTHL1 is on the minus strand). VCF-style: chr16-2046264-G-T. GRCh37 (hg19) VCF-style: chr16-2096265-G-T.
Other names: c.218C>A, p.Pro73His (NM_001318193.2); c.24+16C>A (NM_001318194.2); c.242C>A (NM_002528.5); short protein forms P73H.
Identifiers: ClinVar variation 1016207 (VCV001016207.8), dbSNP rs1326931608, ClinGen allele CA394297457.
Genomic context (GRCh38, chr16:2,046,264, plus strand): 5'-GCACGGATGTTGACCAGCTGTTGCTGCCAGTCCTGGGGCTCCCAGACTGGCACCTTGAGG[G>T]GCTCAGCCCCCTCACCTTTCTCACTGTCCGAGCCCTCATAGGCCACACGCAGTCTCTGTG-3'
Protein context (NP_002519.2, residues 63-83): SDSEKGEGAE[Pro73His]LKVPVWEPQD

ClinVar aggregate classification (germline): Uncertain significance. Review status: criteria provided, multiple submitters, no conflicts (2 of 4 stars). 2 submissions from 2 submitters: Uncertain significance (2). Last evaluated 2026-07-06.

Conditions:
Hereditary cancer-predisposing syndrome. Also called: Tumor predisposition; Hereditary Cancer Syndrome; Hereditary neoplastic syndrome; Neoplastic Syndromes, Hereditary. Identifiers: Orphanet 140162, MedGen C0027672, MeSH D009386, MONDO:0015356.

Submissions (2):

Ambry Genetics
Classification: Uncertain significance for Hereditary cancer-predisposing syndrome. Last evaluated: 2026-07-06. Review status: criteria provided, single submitter. Criteria: Ambry Variant Classification Scheme 2023. Collection method: clinical testing. Allele origin: germline.
Comment: The p.P81H variant (also known as c.242C>A), located in coding exon 2 of the NTHL1 gene, results from a C to A substitution at nucleotide position 242. The proline at codon 81 is replaced by histidine, an amino acid with similar properties. This amino acid position is conserved. In addition, this alteration is predicted to be tolerated by in silico analysis. Based on the available evidence, the clinical significance of this variant remains unclear.

Labcorp Genetics (formerly Invitae), Labcorp
Classification: Uncertain significance. Last evaluated: 2025-09-24. Review status: criteria provided, single submitter. Criteria: Invitae Variant Classification Sherloc (09022015). Collection method: clinical testing. Allele origin: germline.
Comment: This sequence change replaces proline, which is neutral and non-polar, with histidine, which is basic and polar, at codon 81 of the NTHL1 protein (p.Pro81His). This variant is not present in population databases (gnomAD no frequency). This variant has not been reported in the literature in individuals affected with NTHL1-related conditions. ClinVar contains an entry for this variant (Variation ID: 1016207). An algorithm developed to predict the effect of missense changes on protein structure and function outputs the following: PolyPhen-2: "Benign". The histidine amino acid residue is found in multiple mammalian species, which suggests that this missense change does not adversely affect protein function. In summary, the available evidence is currently insufficient to determine the role of this variant in disease. Therefore, it has been classified as a Variant of Uncertain Significance.